The following is an entry in ClinVar:

NM_001378454.1(ALMS1):c.351G>A (p.Trp117Ter)

Gene: ALMS1 (ALMS1 centrosome and basal body associated protein; plus strand). Cytogenetic location: 2p13.1.
Variant type: single nucleotide variant.
Coding change: c.351G>A on transcript NM_001378454.1 (MANE Select); coding-DNA position 351, G replaced by A.
Protein change: p.Trp117Ter; replaces tryptophan 117 with a stop codon.
Molecular consequence: nonsense.
Genome position (GRCh38, 1-based): chr2:73,408,648, G>A. VCF-style: chr2-73408648-G-A. GRCh37 (hg19) VCF-style: chr2-73635776-G-A.
Other names: c.354G>A, p.Trp118Ter (NM_015120.4); short protein forms W117*, W118*.
Identifiers: ClinVar variation 3624992 (VCV003624992.2).

ClinVar aggregate classification (germline): Pathogenic (1 of 4 stars; one submission).

Conditions:
Alstrom syndrome (ALMS). Identifiers: Orphanet 64, MedGen C0268425, MONDO:0008763, OMIM 203800.

gnomAD v4.1: 2 of 1,613,218 alleles (0.00012%); highest among the groups gnomAD compares: South Asian, 0.0011%; no homozygotes.

Submission:

Labcorp Genetics (formerly Invitae), Labcorp
Classification: Pathogenic for Alstrom syndrome. Last evaluated: 2024-04-10. Review status: criteria provided, single submitter. Criteria: Invitae Variant Classification Sherloc (09022015). Collection method: clinical testing. Allele origin: germline.
Comment: This sequence change creates a premature translational stop signal (p.Trp118*) in the ALMS1 gene. It is expected to result in an absent or disrupted protein product. Loss-of-function variants in ALMS1 are known to be pathogenic (PMID: 17594715). This variant is not present in population databases (gnomAD no frequency). This variant has not been reported in the literature in individuals affected with ALMS1-related conditions. For these reasons, this variant has been classified as Pathogenic.

Literature cited by the submitters: PubMed 17594715.